The following is an entry in ClinVar:

NM_001159699.2(FHL1):c.370A>G (p.Ile124Val)

Gene: FHL1 (four and a half LIM domains 1; plus strand). Cytogenetic location: Xq26.3.
Variant type: single nucleotide variant.
Coding change: c.370A>G on transcript NM_001159699.2 (MANE Select); coding-DNA position 370, A replaced by G.
Protein change: p.Ile124Val; replaces isoleucine 124 with valine.
Molecular consequence: missense variant. On other transcripts: non-coding transcript variant (1).
Genome position (GRCh38, 1-based): chrX:136,207,181, A>G. VCF-style: chrX-136207181-A-G. GRCh37 (hg19) VCF-style: chrX-135289340-A-G.
Other names: c.322A>G, p.Ile108Val (NM_001159700.2, NM_001159702.3, NM_001159703.2 and 9 more transcripts); c.409A>G, p.Ile137Val (NM_001159701.2); c.370A>G, p.Ile124Val (NM_001330659.2); short protein forms I108V, I137V, I124V.
Identifiers: ClinVar variation 3731132 (VCV003731132.1).

ClinVar aggregate classification (germline): Uncertain significance (1 of 4 stars; one submission).

Submission:

GeneDx
Classification: Uncertain significance. Last evaluated: 2024-08-13. Review status: criteria provided, single submitter. Criteria: GeneDx Variant Classification Process June 2021. Collection method: clinical testing. Allele origin: germline. Affected: yes.
Comment: Not observed at significant frequency in large population cohorts (gnomAD); In silico analysis indicates that this missense variant does not alter protein structure/function; Has not been previously published as pathogenic or benign to our knowledge